The following is an entry in ClinVar:

ClinVar aggregate classification (germline): Uncertain significance (1 of 4 stars; one submission).

Conditions:
Hereditary pheochromocytoma and paraganglioma. Also called: Hereditary Paraganglioma-Pheochromocytoma Syndromes; Hereditary paragangliomas and pheochromocytomas; Hereditary pheochromocytoma-paraganglioma. Identifiers: Orphanet 29072, MedGen C4274332, MONDO:0017366.

Submission:

Color Diagnostics, LLC DBA Color Health
Classification: Uncertain significance for Hereditary pheochromocytoma and paraganglioma. Last evaluated: 2025-06-09. Review status: criteria provided, single submitter. Criteria: ACMG Guidelines, 2015. Collection method: clinical testing. Allele origin: germline.
Comment: This variant is located in the 5' untranslated region of the SDHC gene. To our knowledge, functional studies have not been reported for this variant. This variant has not been reported in individuals affected with SDHC-related disorders in the literature. This variant has not been identified in the general population by the Genome Aggregation Database (gnomAD). The available evidence is insufficient to determine the role of this variant in disease conclusively. Therefore, this variant is classified as a Variant of Uncertain Significance.

NM_003001.5(SDHC):c.-1dup (p.Met1fs)

Gene: SDHC (succinate dehydrogenase complex subunit C; plus strand). Cytogenetic location: 1q23.3.
Variant type: Duplication.
Coding change: c.-1dup on transcript NM_003001.5 (MANE Select); 1 bases upstream of the start codon, one base duplicated (G; older notation c.-1dupG).
Protein change: p.Met1fs; shifts the reading frame from methionine 1.
Molecular consequence: frameshift variant. On other transcripts: 5 prime UTR variant (2), non-coding transcript variant (1).
Genome position (GRCh38, 1-based): chr1:161,314,405, G duplicated. VCF-style (leftmost placement, unchanged base first): chr1-161314404-A-AG. GRCh37 (hg19) VCF-style: chr1-161284194-A-AG.
Other names: c.-1dup, p.Met1fs (NM_001035511.3, NM_001035512.3, NM_001035513.3 and 6 more transcripts); c.-561dup (NM_001407119.1); c.-230dup (NM_001407120.1); short protein forms M1fs.
Identifiers: ClinVar variation 4757136 (VCV004757136.1).